The following is an entry in ClinVar:

ClinVar aggregate classification (germline): Pathogenic (1 of 4 stars; one submission).

Allele frequency attached by ClinVar (database versions not stated): ExAC 0.00001; gnomAD exomes 0.00001 and 0.00002; TOPMed 0.00001.

Submission:

Labcorp Genetics (formerly Invitae), Labcorp
Classification: Pathogenic. Last evaluated: 2022-09-13. Review status: criteria provided, single submitter. Criteria: Invitae Variant Classification Sherloc (09022015). Collection method: clinical testing. Allele origin: germline.
Comment: This sequence change creates a premature translational stop signal (p.Gln1355Argfs*42) in the TECTA gene. It is expected to result in an absent or disrupted protein product. Loss-of-function variants in TECTA are known to be pathogenic (PMID: 11087000, 12746400, 17431902, 24130743). This variant is present in population databases (rs749360244, gnomAD 0.003%). This variant has not been reported in the literature in individuals affected with TECTA-related conditions. ClinVar contains an entry for this variant (Variation ID: 1454924). For these reasons, this variant has been classified as Pathogenic.

Literature cited by the submitters: PubMed 11087000; PubMed 12746400; PubMed 17431902; PubMed 24130743.

NM_005422.4(TECTA):c.4064_4065del (p.Gln1355fs)

Genes: TBCEL-TECTA (TBCEL-TECTA readthrough; plus strand), TECTA (tectorin alpha; plus strand). Cytogenetic location: 11q23.3.
Variant type: Deletion.
Coding change: c.4064_4065del on transcript NM_005422.4 (MANE Select); coding-DNA positions 4064 to 4065, 2 bases deleted (AG; older notation c.4064_4065delAG).
Protein change: p.Gln1355fs; shifts the reading frame from glutamine 1355.
Molecular consequence: frameshift variant.
Genome position (GRCh38, 1-based): chr11:121,146,075-121,146,076, AG deleted. VCF-style (leftmost placement, unchanged base first): chr11-121146074-CAG-C. GRCh37 (hg19) VCF-style: chr11-121016783-CAG-C.
Other names: c.5021_5022del, p.Gln1674fs (NM_001378761.1); short protein forms Q1355fs, Q1674fs.
Identifiers: ClinVar variation 1454924 (VCV001454924.6), dbSNP rs749360244, ClinGen allele CA6327346.